The following is an entry in ClinVar:

ClinVar aggregate classification (germline): Pathogenic (1 of 4 stars; one submission).

Conditions:
Deafness-lymphedema-leukemia syndrome. Also called: Emberger syndrome; Lymphedema, primary, with myelodysplasia. Identifiers: Orphanet 3226, MedGen C3279664, MONDO:0013540, OMIM 614038.
GATA2 deficiency with susceptibility to MDS/AML. Identifiers: MedGen CN300066, MONDO:0042982.

Submission:

Molecular Pathology Research Laboratory, SA Pathology
Classification: Pathogenic for GATA2 deficiency with susceptibility to MDS/AML; Deafness-lymphedema-leukemia syndrome. Last evaluated: 2021-07-06. Review status: criteria provided, single submitter. Criteria: ACMG Guidelines, 2015. Collection method: curation. Allele origin: unknown. Inheritance: Autosomal dominant inheritance. Affected: yes. Observed: 1 variant allele.
Comment: PVS1, PS4_Supporting, PM2

Literature cited by the submitters: PubMed 29146883.

Single allele

Genes: DNAJB8 (DnaJ heat shock protein family (Hsp40) member B8; minus strand), GATA2 (GATA binding protein 2; minus strand). Cytogenetic location: 3q21.3.
Variant type: Deletion.
Identifiers: ClinVar variation 1183987 (VCV001183987.1).